The following is an entry in ClinVar:

NM_001277313.2(FMN1):c.368C>T (p.Ser123Phe)

Gene: FMN1 (formin 1; minus strand). Cytogenetic location: 15q13.3.
Variant type: single nucleotide variant.
Coding change: c.368C>T on transcript NM_001277313.2 (MANE Select); coding-DNA position 368, C replaced by T.
Protein change: p.Ser123Phe; replaces serine 123 with phenylalanine.
Molecular consequence: missense variant.
Genome position (GRCh38, 1-based): chr15:33,154,547, G>A on the plus strand (C>T on the coding strand, the complement: FMN1 is on the minus strand). VCF-style: chr15-33154547-G-A. GRCh37 (hg19) VCF-style: chr15-33446748-G-A.
Other names: c.368C>T, p.Ser123Phe (NM_001277314.2); c.368C>T (NM_001277313.1); short protein forms S123F.
Identifiers: ClinVar variation 1620933 (VCV001620933.33), dbSNP rs61733781, ClinGen allele CA7457602.

ClinVar aggregate classification (germline): Benign/Likely benign. Review status: criteria provided, multiple submitters, no conflicts (2 of 4 stars). 3 submissions from 3 submitters: Benign (1); Likely benign (1). 1 of the submissions does not count toward it. Last evaluated 2025-10-02.

Conditions:
FMN1-related disorder. Also called: FMN1-related condition.

Allele frequency attached by ClinVar (database versions not stated): 1000 Genomes Project 30x 0.00156; 1000 Genomes Project 0.00180; TOPMed 0.00272; gnomAD exomes 0.00379 and 0.00404; ExAC 0.00736.
gnomAD v4.1: 5,755 of 1,536,084 alleles (0.37%); highest among the groups gnomAD compares: South Asian, 0.64%; 29 homozygotes.

Submissions (3):

Labcorp Genetics (formerly Invitae), Labcorp
Classification: Benign. Last evaluated: 2025-10-02. Review status: criteria provided, single submitter. Criteria: Invitae Variant Classification Sherloc (09022015). Collection method: clinical testing. Allele origin: germline.

CeGaT Center for Human Genetics Tuebingen
Classification: Likely benign. Last evaluated: 2023-03-01. Review status: criteria provided, single submitter. Criteria: CeGaT Center For Human Genetics Tuebingen Variant Classification Criteria Version 2. Collection method: clinical testing. Allele origin: germline. Affected: yes. Observed: 2 variant alleles.
Comment: FMN1: BP4, BS2

PreventionGenetics, part of Exact Sciences
Classification: Benign for FMN1-related condition. Last evaluated: 2019-06-24. Review status: no assertion criteria provided. Collection method: clinical testing. Allele origin: germline. Not counted in ClinVar's aggregate classification.
Comment: This variant is classified as benign based on ACMG/AMP sequence variant interpretation guidelines (Richards et al. 2015 PMID: 25741868, with internal and published modifications).